The following is an entry in ClinVar:

ClinVar aggregate classification (germline): Uncertain significance. Review status: criteria provided, multiple submitters, no conflicts (2 of 4 stars). 5 submissions from 5 submitters: Uncertain significance (4). 1 of the submissions does not count toward it. Last evaluated 2024-08-12.

Conditions:
SYNE1-related disorder. Also called: SYNE1-related disease; SYNE1-related condition; SYNE1-related disorders.
Autosomal recessive ataxia, Beauce type. Also called: Spinocerebellar ataxia, autosomal recessive 8; ATAXIA, RECESSIVE, OF BEAUCE; SYNE1-Related Autosomal Recessive Cerebellar Ataxia; SYNE1 Deficiency. Identifiers: Orphanet 88644, MedGen C1853116, MONDO:0012549, OMIM 610743.
Emery-Dreifuss muscular dystrophy 4, autosomal dominant (EDMD4). Also called: EMERY-DREIFUSS MUSCULAR DYSTROPHY 4 WITH VARIABLE FEATURES. Identifiers: Orphanet 261, MedGen C2751807, MONDO:0013071, OMIM 612998.

Allele frequency attached by ClinVar (database versions not stated): gnomAD exomes 0.00005 and 0.00011; ExAC 0.00015; 1000 Genomes Project 30x 0.00031; 1000 Genomes Project 0.00040; ESP Exome Variant Server 0.00054; gnomAD 0.00056 and 0.00058; TOPMed 0.00060.
gnomAD v4.1: 151 of 1,614,046 alleles (0.0094%); highest among the groups gnomAD compares: African/African-American, 0.19%; no homozygotes.

Submissions (5):

Labcorp Genetics (formerly Invitae), Labcorp
Classification: Uncertain significance for Emery-Dreifuss muscular dystrophy 4, autosomal dominant; Autosomal recessive ataxia, Beauce type. Last evaluated: 2024-08-12. Review status: criteria provided, single submitter. Criteria: Invitae Variant Classification Sherloc (09022015). Collection method: clinical testing. Allele origin: germline.
Comment: This sequence change replaces histidine, which is basic and polar, with arginine, which is basic and polar, at codon 471 of the SYNE1 protein (p.His471Arg). This variant is present in population databases (rs141397112, gnomAD 0.2%). This variant has not been reported in the literature in individuals affected with SYNE1-related conditions. ClinVar contains an entry for this variant (Variation ID: 282636). An algorithm developed to predict the effect of missense changes on protein structure and function (PolyPhen-2) suggests that this variant¬¨‚Ä†is likely to be tolerated. In summary, the available evidence is currently insufficient to determine the role of this variant in disease. Therefore, it has been classified as a Variant of Uncertain Significance.

GeneDx
Classification: Uncertain significance. Last evaluated: 2020-03-02. Review status: criteria provided, single submitter. Criteria: GeneDx Variant Classification Process June 2021. Collection method: clinical testing. Allele origin: germline. Affected: yes.
Comment: In silico analysis supports that this missense variant has a deleterious effect on protein structure/function; Has not been previously published as pathogenic or benign to our knowledge

Eurofins Ntd Llc (ga)
Classification: Uncertain significance. Last evaluated: 2015-08-20. Review status: criteria provided, single submitter. Criteria: EGL Classification Definitions 2015. Collection method: clinical testing. Allele origin: germline. Observed: 2 variant alleles, 2 heterozygotes.

Breakthrough Genomics
Classification: Uncertain significance. Review status: criteria provided, single submitter. Criteria: ACMG Guidelines, 2015. Collection method: not provided. Allele origin: germline. Inheritance: Autosomal recessive inheritance. Affected: yes.

PreventionGenetics, part of Exact Sciences
Classification: Likely benign for SYNE1-related condition. Last evaluated: 2023-02-22. Review status: no assertion criteria provided. Collection method: clinical testing. Allele origin: germline. Not counted in ClinVar's aggregate classification.
Comment: This variant is classified as likely benign based on ACMG/AMP sequence variant interpretation guidelines (Richards et al. 2015 PMID: 25741868, with internal and published modifications).

NM_182961.4(SYNE1):c.1391A>G (p.His464Arg)

Gene: SYNE1 (spectrin repeat containing nuclear envelope protein 1; minus strand). Cytogenetic location: 6q25.2.
Variant type: single nucleotide variant.
Coding change: c.1391A>G on transcript NM_182961.4 (MANE Select); coding-DNA position 1391, A replaced by G.
Protein change: p.His464Arg; replaces histidine 464 with arginine.
Molecular consequence: missense variant.
Genome position (GRCh38, 1-based): chr6:152,472,373, T>C on the plus strand (A>G on the coding strand, the complement: SYNE1 is on the minus strand). VCF-style: chr6-152472373-T-C. GRCh37 (hg19) VCF-style: chr6-152793508-T-C.
Other names: c.1412A>G, p.His471Arg (NM_033071.5); short protein forms H464R, H471R.
Identifiers: ClinVar variation 282636 (VCV000282636.15), dbSNP rs141397112, ClinGen allele CA4059409.